The following is an entry in ClinVar:

ClinVar aggregate classification (germline): Uncertain significance (1 of 4 stars; one submission).

Conditions:
LAMA2-related muscular dystrophy (LAMA2-RD). Also called: Laminin alpha 2-related dystrophy. Identifiers: MedGen C5679788, MONDO:0100228.

Submission:

Labcorp Genetics (formerly Invitae), Labcorp
Classification: Uncertain significance for LAMA2-related muscular dystrophy. Last evaluated: 2022-07-15. Review status: criteria provided, single submitter. Criteria: Invitae Variant Classification Sherloc (09022015). Collection method: clinical testing. Allele origin: germline.
Comment: This variant is not present in population databases (gnomAD no frequency). This variant has not been reported in the literature in individuals affected with LAMA2-related conditions. Advanced modeling of protein sequence and biophysical properties (such as structural, functional, and spatial information, amino acid conservation, physicochemical variation, residue mobility, and thermodynamic stability) performed at Invitae indicates that this missense variant is not expected to disrupt LAMA2 protein function. Algorithms developed to predict the effect of sequence changes on RNA splicing suggest that this variant may create or strengthen a splice site. In summary, the available evidence is currently insufficient to determine the role of this variant in disease. Therefore, it has been classified as a Variant of Uncertain Significance. This sequence change replaces serine, which is neutral and polar, with phenylalanine, which is neutral and non-polar, at codon 2147 of the LAMA2 protein (p.Ser2147Phe).

NM_000426.4(LAMA2):c.6440C>T (p.Ser2147Phe)

Gene: LAMA2 (laminin subunit alpha 2; plus strand). Cytogenetic location: 6q22.33.
Variant type: single nucleotide variant.
Coding change: c.6440C>T on transcript NM_000426.4 (MANE Select); coding-DNA position 6440, C replaced by T.
Protein change: p.Ser2147Phe; replaces serine 2147 with phenylalanine.
Molecular consequence: missense variant.
Genome position (GRCh38, 1-based): chr6:129,452,998, C>T. VCF-style: chr6-129452998-C-T. GRCh37 (hg19) VCF-style: chr6-129774143-C-T.
Other names: c.6440C>T, p.Ser2147Phe (NM_001079823.2); short protein forms S2147F.
Identifiers: ClinVar variation 1968884 (VCV001968884.5), dbSNP rs2533416221, ClinGen allele CA365616362.
Genomic context (GRCh38, chr6:129,452,998, plus strand): 5'-ACTTTCTGAGAGATTTACTCTTGGTTCTTTGTATCTTGTTTTTTTTAAAGATCAAAGTAT[C>T]TGTGTCTTCAGGAGGTGACTGCATTCGAACATACAAACCAGAAATCAAGAAAGGAAGTTA-3'
Protein context (NP_000417.3, residues 2137-2157): ARKQANSIKV[Ser2147Phe]VSSGGDCIRT